The following is an entry in ClinVar:

NM_007294.4(BRCA1):c.284T>A (p.Leu95His)

Gene: BRCA1 (BRCA1 DNA repair associated; minus strand). Cytogenetic location: 17q21.31.
Variant type: single nucleotide variant.
Coding change: c.284T>A on transcript NM_007294.4 (MANE Select); coding-DNA position 284, T replaced by A.
Protein change: p.Leu95His; replaces leucine 95 with histidine.
Molecular consequence: missense variant. On other transcripts: non-coding transcript variant (1).
Genome position (GRCh38, 1-based): chr17:43,104,885, A>T on the plus strand (T>A on the coding strand, the complement: BRCA1 is on the minus strand). VCF-style: chr17-43104885-A-T. GRCh37 (hg19) VCF-style: chr17-41256902-A-T.
Other names: c.74T>A, p.Leu25His (NM_001407894.1, NM_001407895.1, NM_001407896.1 and 58 more transcripts); c.284T>A, p.Leu95His (NM_001407919.1, NM_001407937.1, NM_001407938.1 and 168 more transcripts); c.143T>A, p.Leu48His (NM_001407920.1, NM_001407921.1, NM_001407922.1 and 99 more transcripts); c.-98T>A (NM_001407959.1, NM_001407960.1, NM_001407962.1 and 4 more transcripts); c.206T>A, p.Leu69His (NM_001408409.1, NM_001408411.1, NM_001408412.1 and 21 more transcripts); c.152T>A, p.Leu51His (NM_001408451.1); short protein forms L48H, L95H, L69H, L25H, L51H.
Identifiers: ClinVar variation 868349 (VCV000868349.3), dbSNP rs2054675041, ClinGen allele CA10601585.

Conditions:
Breast-ovarian cancer, familial, susceptibility to, 1 (BROVCA1). Also called: BRCA1 Hereditary Breast and Ovarian Cancer; OVARIAN CANCER, SUSCEPTIBILITY TO. Identifiers: Orphanet 145, MedGen C2676676, MONDO:0011450, OMIM 604370. Disease mechanism: loss of function.

Submission:

Brotman Baty Institute, University of Washington
No classification provided (evidence only). Condition: Breast-ovarian cancer, familial 1. Review status: no classification provided. Collection method: in vitro. Allele origin: not applicable. Functional consequence: functionally_normal.
ClinVar note: "not provided" was previously submitted as the classification for the variant. However, the classification appeared to be based only on an observation of functional data so it was converted to no classification on 2025-07-30.